The following is an entry in ClinVar:

ClinVar aggregate classification (germline): Conflicting classifications of pathogenicity. Review status: criteria provided, conflicting classifications (1 of 4 stars). 3 submissions from 3 submitters: Uncertain significance (2); Likely benign (1). Last evaluated 2025-03-18.

Conditions:
Hereditary cancer-predisposing syndrome. Also called: Hereditary Cancer Syndrome; Hereditary neoplastic syndrome; Neoplastic Syndromes, Hereditary; Tumor predisposition. Identifiers: Orphanet 140162, MedGen C0027672, MeSH D009386, MONDO:0015356.
Multiple endocrine neoplasia type 4. Also called: MULTIPLE ENDOCRINE NEOPLASIA, TYPE IV. Identifiers: Orphanet 276152, MedGen C1970712, MONDO:0012552, OMIM 610755.

Submissions (3):

Ambry Genetics
Classification: Likely benign for Hereditary cancer-predisposing syndrome. Last evaluated: 2025-03-18. Review status: criteria provided, single submitter. Criteria: Ambry Variant Classification Scheme 2023. Collection method: clinical testing. Allele origin: germline.

Baylor Genetics
Classification: Uncertain significance for Multiple endocrine neoplasia type 4. Last evaluated: 2024-01-08. Review status: criteria provided, single submitter. Criteria: ACMG Guidelines, 2015. Collection method: clinical testing. Allele origin: unknown.

Labcorp Genetics (formerly Invitae), Labcorp
Classification: Uncertain significance for Multiple endocrine neoplasia type 4. Last evaluated: 2022-08-19. Review status: criteria provided, single submitter. Criteria: Invitae Variant Classification Sherloc (09022015). Collection method: clinical testing. Allele origin: germline.
Comment: This sequence change replaces serine, which is neutral and polar, with leucine, which is neutral and non-polar, at codon 138 of the CDKN1B protein (p.Ser138Leu). This variant is not present in population databases (gnomAD no frequency). This variant has not been reported in the literature in individuals affected with CDKN1B-related conditions. Algorithms developed to predict the effect of missense changes on protein structure and function (SIFT, PolyPhen-2, Align-GVGD) all suggest that this variant is likely to be tolerated. In summary, the available evidence is currently insufficient to determine the role of this variant in disease. Therefore, it has been classified as a Variant of Uncertain Significance.

NM_004064.5(CDKN1B):c.413C>T (p.Ser138Leu)

Gene: CDKN1B (cyclin dependent kinase inhibitor 1B; plus strand). Cytogenetic location: 12p13.1.
Variant type: single nucleotide variant.
Coding change: c.413C>T on transcript NM_004064.5 (MANE Select); coding-DNA position 413, C replaced by T.
Protein change: p.Ser138Leu; replaces serine 138 with leucine.
Molecular consequence: missense variant.
Genome position (GRCh38, 1-based): chr12:12,718,252, C>T. VCF-style: chr12-12718252-C-T. GRCh37 (hg19) VCF-style: chr12-12871186-C-T.
Other names: c.413C>T (NM_004064.3); short protein forms S138L.
Identifiers: ClinVar variation 2079712 (VCV002079712.3), dbSNP rs1218732639, ClinGen allele CA383970669.